The following is an entry in ClinVar:

ClinVar aggregate classification (germline): Uncertain significance. Review status: criteria provided, multiple submitters, no conflicts (2 of 4 stars). 2 submissions from 2 submitters: Uncertain significance (2). Last evaluated 2025-11-03.

Conditions:
Hereditary cancer-predisposing syndrome. Also called: Neoplastic Syndromes, Hereditary; Hereditary Cancer Syndrome; Hereditary neoplastic syndrome; Tumor predisposition. Identifiers: Orphanet 140162, MedGen C0027672, MeSH D009386, MONDO:0015356.
Familial meningioma. Also called: Meningioma, familial, susceptibility to. Identifiers: Orphanet 263662, MedGen C3551915, MONDO:0011789, OMIM 607174.

Allele frequency attached by ClinVar (database versions not stated): gnomAD exomes below 0.00001; TOPMed below 0.00001.

Submissions (2):

Labcorp Genetics (formerly Invitae), Labcorp
Classification: Uncertain significance for Familial meningioma. Last evaluated: 2025-11-03. Review status: criteria provided, single submitter. Criteria: Invitae Variant Classification Sherloc (09022015). Collection method: clinical testing. Allele origin: germline.
Comment: This sequence change replaces glutamine, which is neutral and polar, with arginine, which is basic and polar, at codon 161 of the SMARCE1 protein (p.Gln161Arg). This variant is not present in population databases (gnomAD no frequency). This variant has not been reported in the literature in individuals affected with SMARCE1-related conditions. ClinVar contains an entry for this variant (Variation ID: 463424). Invitae Evidence Modeling of protein sequence and biophysical properties (such as structural, functional, and spatial information, amino acid conservation, physicochemical variation, residue mobility, and thermodynamic stability) indicates that this missense variant is not expected to disrupt SMARCE1 protein function with a negative predictive value of 80%. In summary, the available evidence is currently insufficient to determine the role of this variant in disease. Therefore, it has been classified as a Variant of Uncertain Significance.

Ambry Genetics
Classification: Uncertain significance for Hereditary cancer-predisposing syndrome. Last evaluated: 2025-05-15. Review status: criteria provided, single submitter. Criteria: Ambry Variant Classification Scheme 2023. Collection method: clinical testing. Allele origin: germline.
Comment: The p.Q161R variant (also known as c.482A>G), located in coding exon 6 of the SMARCE1 gene, results from an A to G substitution at nucleotide position 482. The glutamine at codon 161 is replaced by arginine, an amino acid with highly similar properties. This amino acid position is highly conserved in available vertebrate species. In addition, the in silico prediction for this alteration is inconclusive. Based on the available evidence, the clinical significance of this variant remains unclear.

NM_003079.5(SMARCE1):c.482A>G (p.Gln161Arg)

Gene: SMARCE1 (SWI/SNF related BAF chromatin remodeling complex subunit E1; minus strand). Cytogenetic location: 17q21.2.
Variant type: single nucleotide variant.
Coding change: c.482A>G on transcript NM_003079.5 (MANE Select); coding-DNA position 482, A replaced by G.
Protein change: p.Gln161Arg; replaces glutamine 161 with arginine.
Molecular consequence: missense variant.
Genome position (GRCh38, 1-based): chr17:40,635,990, T>C on the plus strand (A>G on the coding strand, the complement: SMARCE1 is on the minus strand). VCF-style: chr17-40635990-T-C. GRCh37 (hg19) VCF-style: chr17-38792242-T-C.
Other names: short protein forms Q161R.
Identifiers: ClinVar variation 463424 (VCV000463424.14), dbSNP rs1555605748, ClinGen allele CA399366396.